The following is an entry in ClinVar:

NM_001365999.1(SZT2):c.7799C>T (p.Pro2600Leu)

Gene: SZT2 (SZT2 subunit of KICSTOR complex; plus strand). Cytogenetic location: 1p34.2.
Variant type: single nucleotide variant.
Coding change: c.7799C>T on transcript NM_001365999.1 (MANE Select); coding-DNA position 7799, C replaced by T.
Protein change: p.Pro2600Leu; replaces proline 2600 with leucine.
Molecular consequence: missense variant.
Genome position (GRCh38, 1-based): chr1:43,442,056, C>T. VCF-style: chr1-43442056-C-T. GRCh37 (hg19) VCF-style: chr1-43907727-C-T.
Other names: c.7628C>T, p.Pro2543Leu (NM_015284.4); short protein forms P2543L, P2600L.
Identifiers: ClinVar variation 640006 (VCV000640006.6), dbSNP rs543595207, ClinGen allele CA810340.

ClinVar aggregate classification (germline): Uncertain significance (1 of 4 stars; one submission).

gnomAD v4.1: 14 of 1,614,146 alleles (0.00087%); highest among the groups gnomAD compares: Admixed American, 0.0033%; no homozygotes.

Submission:

Labcorp Genetics (formerly Invitae), Labcorp
Classification: Uncertain significance. Last evaluated: 2024-03-02. Review status: criteria provided, single submitter. Criteria: Invitae Variant Classification Sherloc (09022015). Collection method: clinical testing. Allele origin: germline.
Comment: This sequence change replaces proline, which is neutral and non-polar, with leucine, which is neutral and non-polar, at codon 2543 of the SZT2 protein (p.Pro2543Leu). This variant is present in population databases (rs543595207, gnomAD 0.006%). This variant has not been reported in the literature in individuals affected with SZT2-related conditions. ClinVar contains an entry for this variant (Variation ID: 640006). Advanced modeling of protein sequence and biophysical properties (such as structural, functional, and spatial information, amino acid conservation, physicochemical variation, residue mobility, and thermodynamic stability) performed at Invitae indicates that this missense variant is not expected to disrupt SZT2 protein function with a negative predictive value of 80%. In summary, the available evidence is currently insufficient to determine the role of this variant in disease. Therefore, it has been classified as a Variant of Uncertain Significance.